The following is an entry in ClinVar:

NM_001162501.2(TNRC6B):c.4457G>A (p.Trp1486Ter)

Gene: TNRC6B (trinucleotide repeat containing adaptor 6B; plus strand). Cytogenetic location: 22q13.1.
Variant type: single nucleotide variant.
Coding change: c.4457G>A on transcript NM_001162501.2 (MANE Select); coding-DNA position 4457, G replaced by A.
Protein change: p.Trp1486Ter; replaces tryptophan 1486 with a stop codon.
Molecular consequence: nonsense.
Genome position (GRCh38, 1-based): chr22:40,312,526, G>A. VCF-style: chr22-40312526-G-A. GRCh37 (hg19) VCF-style: chr22-40708530-G-A.
Other names: c.2045G>A, p.Trp682Ter (NM_001024843.2); c.4127G>A, p.Trp1376Ter (NM_015088.3); short protein forms W1376*, W1486*, W682*.
Identifiers: ClinVar variation 2672911 (VCV002672911.23), dbSNP rs2518042768, ClinGen allele CA411667153.
Genomic context (GRCh38, chr22:40,312,526, plus strand): 5'-ACGACCTTCCTTCTCTAATATTTGTTTTCCTTGTCTCAGAATTCCAACCAGGAGTGCCAT[G>A]GAAAGGTATCCAAAACATTGACCCTGAATCTGACCCCTATGTCACCCCAGGAAGTGTGCT-3'

ClinVar aggregate classification (germline): Pathogenic (1 of 4 stars; one submission).

Submission:

CeGaT Center for Human Genetics Tuebingen
Classification: Pathogenic. Last evaluated: 2023-11-01. Review status: criteria provided, single submitter. Criteria: CeGaT Center For Human Genetics Tuebingen Variant Classification Criteria Version 2. Collection method: clinical testing. Allele origin: germline. Affected: yes. Observed: 1 variant allele.
Comment: TNRC6B: PVS1, PM2